The following is an entry in ClinVar:

ClinVar aggregate classification (germline): Uncertain significance (1 of 4 stars; one submission).

Conditions:
Inborn genetic diseases. Identifiers: MedGen C0950123, MeSH D030342.

Submission:

Ambry Genetics
Classification: Uncertain significance for Inborn genetic diseases. Last evaluated: 2026-06-10. Review status: criteria provided, single submitter. Criteria: Ambry Variant Classification Scheme 2023. Collection method: clinical testing. Allele origin: germline.
Comment: The p.A810S variant (also known as c.2428G>T), located in coding exon 8 of the MECOM gene, results from a G to T substitution at nucleotide position 2428. The alanine at codon 810 is replaced by serine, an amino acid with similar properties. This amino acid position is conserved. In addition, this alteration is predicted to be tolerated by in silico analysis. Based on the available evidence, the clinical significance of this variant remains unclear.

NM_004991.4(MECOM):c.2428G>T (p.Ala810Ser)

Gene: MECOM (MDS1 and EVI1 complex locus; minus strand). Cytogenetic location: 3q26.2.
Variant type: single nucleotide variant.
Coding change: c.2428G>T on transcript NM_004991.4 (MANE Select); coding-DNA position 2428, G replaced by T.
Protein change: p.Ala810Ser; replaces alanine 810 with serine.
Molecular consequence: missense variant.
Genome position (GRCh38, 1-based): chr3:169,115,444, C>A on the plus strand (G>T on the coding strand, the complement: MECOM is on the minus strand). VCF-style: chr3-169115444-C-A. GRCh37 (hg19) VCF-style: chr3-168833232-C-A.
Other names: c.2059G>T, p.Ala687Ser (NM_001105077.4); c.1864G>T, p.Ala622Ser (NM_001105078.4, NM_001164000.2, NM_001205194.2 and 4 more transcripts); c.1867G>T, p.Ala623Ser (NM_001163999.2, NM_001366467.2, NM_001366468.2 and 1 more transcripts); c.2428G>T, p.Ala810Ser (NM_001366466.2); c.1456G>T, p.Ala486Ser (NM_001366473.2); c.892G>T, p.Ala298Ser (NM_001366474.2); short protein forms A298S, A486S, A622S, A623S, A687S, A810S.
Identifiers: ClinVar variation 4859819 (VCV004859819.1).
Genomic context (GRCh38, chr3:169,115,444, plus strand): 5'-TGTAAATAGGGTCCATAAAGAAAGGAGTGGGTCTTGCATGCTGCAAGGAACCATCTGAAG[C>A]AGGTCTTGATTCGACGTTGCTTCCTTTTTTTCCCCCAAACACGTGGTTTTTTCGAGGCTC-3'
Protein context (NP_004982.2, residues 800-820): KKGSNVESRP[Ala810Ser]SDGSLQHARP